The following is an entry in ClinVar:

der(15)t(5:15)(q23.2;q15.1)

Genes: MGA (MAX dimerization protein MGA; plus strand), NUTM1 (NUT midline carcinoma family member 1; plus strand). Cytogenetic location: 15q15.1.
Variant type: Translocation.
Identifiers: ClinVar variation 585331 (VCV000585331.1).

ClinVar aggregate classification (germline): Pathogenic (1 of 4 stars; one submission).

Conditions:
Spindle cell sarcoma. Identifiers: MedGen C0205945, MeSH D012509, MONDO:0002927.

Submission:

Papaemmanuil Lab, Memorial Sloan Kettering Cancer Research Center
Classification: Pathogenic for Spindle cell sarcoma. Last evaluated: 2018-08-27. Review status: criteria provided, single submitter. Criteria: OnkoKB guidelines, 2017. Collection method: research. Allele origin: somatic. Inheritance: Somatic mutation. Affected: yes. Observed: 1 variant allele.
Comment: Given prior descriptions of oncogenic effect of NUTM1 fusions in literature, we consider this variant to be pathogenic.